The following is an entry in ClinVar:

NM_173354.5(SIK1):c.404C>T (p.Ser135Leu)

Gene: SIK1 (salt inducible kinase 1; minus strand). Cytogenetic location: 21q22.3.
Variant type: single nucleotide variant.
Coding change: c.404C>T on transcript NM_173354.5 (MANE Select); coding-DNA position 404, C replaced by T.
Protein change: p.Ser135Leu; replaces serine 135 with leucine.
Molecular consequence: missense variant.
Genome position (GRCh38, 1-based): chr21:43,421,733, G>A on the plus strand (C>T on the coding strand, the complement: SIK1 is on the minus strand). VCF-style: chr21-43421733-G-A. GRCh37 (hg19) VCF-style: chr21-44841613-G-A.
Other names: short protein forms S135L.
Identifiers: ClinVar variation 641808 (VCV000641808.12), dbSNP rs780569607, ClinGen allele CA321328147.

ClinVar aggregate classification (germline): Uncertain significance. Review status: criteria provided, multiple submitters, no conflicts (2 of 4 stars). 2 submissions from 2 submitters: Uncertain significance (2). Last evaluated 2024-08-12.

Conditions:
Inborn genetic diseases. Identifiers: MedGen C0950123, MeSH D030342.
Developmental and epileptic encephalopathy, 30 (DEE30). Also called: Epileptic encephalopathy, early infantile, 30. Identifiers: MedGen C4225360, MONDO:0014595, OMIM 616341.

Allele frequency attached by ClinVar (database versions not stated): gnomAD exomes 0.00001; ExAC 0.00002.

Submissions (2):

Ambry Genetics
Classification: Uncertain significance for Inborn genetic diseases. Last evaluated: 2024-08-12. Review status: criteria provided, single submitter. Criteria: Ambry Variant Classification Scheme 2023. Collection method: clinical testing. Allele origin: germline.

Labcorp Genetics (formerly Invitae), Labcorp
Classification: Uncertain significance for Developmental and epileptic encephalopathy, 30. Last evaluated: 2022-08-23. Review status: criteria provided, single submitter. Criteria: Invitae Variant Classification Sherloc (09022015). Collection method: clinical testing. Allele origin: germline.
Comment: In summary, the available evidence is currently insufficient to determine the role of this variant in disease. Therefore, it has been classified as a Variant of Uncertain Significance. Advanced modeling of protein sequence and biophysical properties (such as structural, functional, and spatial information, amino acid conservation, physicochemical variation, residue mobility, and thermodynamic stability) performed at Invitae indicates that this missense variant is expected to disrupt SIK1 protein function. ClinVar contains an entry for this variant (Variation ID: 641808). This variant has not been reported in the literature in individuals affected with SIK1-related conditions. This variant is present in population databases (rs780569607, gnomAD 0.006%). This sequence change replaces serine, which is neutral and polar, with leucine, which is neutral and non-polar, at codon 135 of the SIK1 protein (p.Ser135Leu).